The following is an entry in ClinVar:

ClinVar aggregate classification (germline): Uncertain significance (1 of 4 stars; one submission).

Conditions:
Aortic aneurysm, familial thoracic 7 (AAT7). Also called: AORTIC DISSECTION, FAMILIAL, WITH OR WITHOUT AORTIC ANEURYSM. Identifiers: MedGen C3151077, MONDO:0013418, OMIM 613780.

Allele frequency attached by ClinVar (database versions not stated): gnomAD 0.00002; gnomAD exomes 0.00002; TOPMed 0.00002.
gnomAD v4.1: 29 of 1,614,106 alleles (0.0018%); highest among the groups gnomAD compares: African/African-American, 0.0027%; no homozygotes.

Submission:

Labcorp Genetics (formerly Invitae), Labcorp
Classification: Uncertain significance for Aortic aneurysm, familial thoracic 7. Last evaluated: 2025-06-30. Review status: criteria provided, single submitter. Criteria: Invitae Variant Classification Sherloc (09022015). Collection method: clinical testing. Allele origin: germline.
Comment: This sequence change replaces leucine, which is neutral and non-polar, with phenylalanine, which is neutral and non-polar, at codon 17 of the MYLK protein (p.Leu17Phe). This variant is present in population databases (no rsID available, gnomAD 0.007%). This variant has not been reported in the literature in individuals affected with MYLK-related conditions. ClinVar contains an entry for this variant (Variation ID: 580334). Invitae Evidence Modeling of protein sequence and biophysical properties (such as structural, functional, and spatial information, amino acid conservation, physicochemical variation, residue mobility, and thermodynamic stability) indicates that this missense variant is not expected to disrupt MYLK protein function with a negative predictive value of 95%. In summary, the available evidence is currently insufficient to determine the role of this variant in disease. Therefore, it has been classified as a Variant of Uncertain Significance.

NM_053025.4(MYLK):c.49C>T (p.Leu17Phe)

Gene: MYLK (myosin light chain kinase; minus strand). Cytogenetic location: 3q21.1.
Variant type: single nucleotide variant.
Coding change: c.49C>T on transcript NM_053025.4 (MANE Select); coding-DNA position 49, C replaced by T.
Protein change: p.Leu17Phe; replaces leucine 17 with phenylalanine.
Molecular consequence: missense variant. On other transcripts: 5 prime UTR variant (1).
Genome position (GRCh38, 1-based): chr3:123,793,793, G>A on the plus strand (C>T on the coding strand, the complement: MYLK is on the minus strand). VCF-style: chr3-123793793-G-A. GRCh37 (hg19) VCF-style: chr3-123512640-G-A.
Other names: c.-272C>T (NM_001321309.2); c.49C>T, p.Leu17Phe (NM_053026.4, NM_053027.4, NM_053028.4); short protein forms L17F.
Identifiers: ClinVar variation 580334 (VCV000580334.7), dbSNP rs1048197599, ClinGen allele CA16622005.
Genomic context (GRCh38, chr3:123,793,793, plus strand): 5'-AAATGAAAGCAGGGGCCTCTGTCAGGGGCATGGAGTCAACTCTTGAGGGATCCACACTGA[G>A]GGAGGTTTTGGAAATGTGTGACGAGGCAACCAGCTTCACATCCCCCATGGTCTGCAAAAA-3'
Protein context (NP_444253.3, residues 7-27): VASSHISKTS[Leu17Phe]SVDPSRVDSM